The following is an entry in ClinVar:

ClinVar aggregate classification (germline): Uncertain significance (1 of 4 stars; one submission).

Conditions:
Mitochondrial complex V (ATP synthase) deficiency, nuclear type 2. Also called: Nuclear-Encoded ATPase Deficiency, TMEM70-Related; ENCEPHALOCARDIOMYOPATHY, MITOCHONDRIAL, NEONATAL, DUE TO ATP SYNTHASE DEFICIENCY; MITOCHONDRIAL COMPLEX V (ATP SYNTHASE) DEFICIENCY, TMEM70 TYPE. Identifiers: Orphanet 1194, MedGen C3279699, MONDO:0013546, OMIM 614052.

Submission:

Baylor Genetics
Classification: Uncertain significance for Mitochondrial complex V (ATP synthase) deficiency, nuclear type 2. Last evaluated: 2020-06-03. Review status: criteria provided, single submitter. Criteria: ACMG Guidelines, 2015. Collection method: clinical testing. Allele origin: unknown. Affected: yes.
Comment: This variant was determined to be of uncertain significance according to ACMG Guidelines, 2015 [PMID:25741868].

NM_017866.6(TMEM70):c.655C>G (p.Leu219Val)

Gene: TMEM70 (transmembrane protein 70; plus strand). Cytogenetic location: 8q21.11.
Variant type: single nucleotide variant.
Coding change: c.655C>G on transcript NM_017866.6 (MANE Select); coding-DNA position 655, C replaced by G.
Protein change: p.Leu219Val; replaces leucine 219 with valine.
Molecular consequence: missense variant. On other transcripts: 3 prime UTR variant (1), non-coding transcript variant (1).
Genome position (GRCh38, 1-based): chr8:73,981,493, C>G. VCF-style: chr8-73981493-C-G. GRCh37 (hg19) VCF-style: chr8-74893728-C-G.
Other names: c.*345C>G (NM_001040613.3); short protein forms L219V.
Identifiers: ClinVar variation 1029491 (VCV001029491.1), dbSNP rs1404281937, ClinGen allele CA371490460.